The following is an entry in ClinVar:

ClinVar aggregate classification (germline): Uncertain significance (1 of 4 stars; one submission).

Allele frequency attached by ClinVar (database versions not stated): gnomAD exomes 0.00001 and 0.00002; TOPMed 0.00001; gnomAD 0.00002.
gnomAD v4.1: 35 of 1,611,894 alleles (0.0022%); highest among the groups gnomAD compares: South Asian, 0.0044%; 1 homozygote.

Submission:

Labcorp Genetics (formerly Invitae), Labcorp
Classification: Uncertain significance. Last evaluated: 2024-10-16. Review status: criteria provided, single submitter. Criteria: Invitae Variant Classification Sherloc (09022015). Collection method: clinical testing. Allele origin: germline.
Comment: This sequence change replaces arginine, which is basic and polar, with cysteine, which is neutral and slightly polar, at codon 910 of the SPEG protein (p.Arg910Cys). This variant is present in population databases (rs539214212, gnomAD 0.002%). This variant has not been reported in the literature in individuals affected with SPEG-related conditions. ClinVar contains an entry for this variant (Variation ID: 1520476). An algorithm developed to predict the effect of missense changes on protein structure and function (PolyPhen-2) suggests that this variant is likely to be disruptive. In summary, the available evidence is currently insufficient to determine the role of this variant in disease. Therefore, it has been classified as a Variant of Uncertain Significance.

NM_005876.5(SPEG):c.2728C>T (p.Arg910Cys)

Gene: SPEG (striated muscle enriched protein kinase; plus strand). Cytogenetic location: 2q35.
Variant type: single nucleotide variant.
Coding change: c.2728C>T on transcript NM_005876.5 (MANE Select); coding-DNA position 2728, C replaced by T.
Protein change: p.Arg910Cys; replaces arginine 910 with cysteine.
Molecular consequence: missense variant.
Genome position (GRCh38, 1-based): chr2:219,464,455, C>T. VCF-style: chr2-219464455-C-T. GRCh37 (hg19) VCF-style: chr2-220329177-C-T.
Other names: c.181C>T, p.Arg61Cys (NM_001173476.2); short protein forms R61C, R910C.
Identifiers: ClinVar variation 1520476 (VCV001520476.7), dbSNP rs539214212, ClinGen allele CA66015644.